The following is an entry in ClinVar:

ClinVar aggregate classification (germline): Conflicting classifications of pathogenicity. Review status: criteria provided, conflicting classifications (1 of 4 stars). 16 submissions from 16 submitters: Uncertain significance (4); Benign (1); Likely benign (6). 5 of the submissions do not count toward it. Last evaluated 2025-11-19.

Conditions:
BRCA2-related cancer predisposition. Identifiers: MedGen CN377758, MONDO:0700269.
BRCA2-related disorder. Also called: BRCA2-related condition; BRCA2-related disorders. Identifiers: MedGen CN239275.
Hereditary cancer-predisposing syndrome. Also called: Hereditary Cancer Syndrome; Tumor predisposition; Neoplastic Syndromes, Hereditary; Hereditary neoplastic syndrome. Identifiers: Orphanet 140162, MedGen C0027672, MeSH D009386, MONDO:0015356.
Hereditary breast ovarian cancer syndrome. Also called: Breast and ovarian cancer; BRCA1- and BRCA2-Associated Hereditary Breast and Ovarian Cancer; Hereditary breast and ovarian cancer; Hereditary breast and ovarian cancer syndrome (HBOC); Hereditary breast and ovarian cancer syndrome; Hereditary breast and/or ovarian cancer syndrome. Identifiers: Orphanet 145, MedGen C0677776, MeSH D061325, MONDO:0003582. Disease mechanism: loss of function.
Breast-ovarian cancer, familial, susceptibility to, 2 (BROVCA2). Also called: BRCA2 Hereditary Breast and Ovarian Cancer. Identifiers: Orphanet 145, MedGen C2675520, MONDO:0012933, OMIM 612555. Disease mechanism: loss of function.

Allele frequency attached by ClinVar (database versions not stated): ExAC 0.00001; gnomAD exomes 0.00001.
gnomAD v4.1: 18 of 1,611,258 alleles (0.0011%); highest among the groups gnomAD compares: South Asian, 0.0022%; no homozygotes.

Submissions (16):

Labcorp Genetics (formerly Invitae), Labcorp
Classification: Likely benign for Hereditary breast ovarian cancer syndrome. Last evaluated: 2025-11-19. Review status: criteria provided, single submitter. Criteria: Invitae Variant Classification Sherloc (09022015). Collection method: clinical testing. Allele origin: germline.

PreventionGenetics, part of Exact Sciences
Classification: Likely benign for BRCA2-related condition. Last evaluated: 2025-07-26. Review status: criteria provided, single submitter. Criteria: ACMG Guidelines, 2015. Collection method: clinical testing. Allele origin: germline.
Comment: This variant is classified as likely benign based on ACMG/AMP sequence variant interpretation guidelines (Richards et al. 2015 PMID: 25741868, with internal and published modifications).

Women's Health and Genetics/Laboratory Corporation of America, LabCorp
Classification: Uncertain significance. Last evaluated: 2025-07-07. Review status: criteria provided, single submitter. Criteria: LabCorp Variant Classification Summary - May 2015. Collection method: clinical testing. Allele origin: germline.
Comment: Variant summary: BRCA2 c.1342C>T (p.Arg448Cys) results in a non-conservative amino acid change in the encoded protein sequence. Algorithms developed to predict the effect of missense changes on protein structure and function are either unavailable or do not agree on the potential impact of this missense change. The variant allele was found at a frequency of 1.2e-05 in 248238 control chromosomes (gnomAD). The available data on variant occurrences in the general population are insufficient to allow any conclusion about variant significance. c.1342C>T has been observed in individuals affected with breast or ovarian cancer without strong evidence of causality (e.g., Zuntini_2018, Santonocito_2020, Andrikopoulou_2022, Zografos_2022). These reports do not provide unequivocal conclusions about association of the variant with Hereditary Breast And Ovarian Cancer Syndrome. To our knowledge, no experimental evidence demonstrating an impact on protein function has been reported. The following publications have been ascertained in the context of this evaluation (PMID: 32438681, 30254663, 36011273, 35127508). ClinVar contains an entry for this variant (Variation ID: 51105). Based on the evidence outlined above, the variant was classified as uncertain significance.

CeGaT Center for Human Genetics Tuebingen
Classification: Likely benign. Last evaluated: 2025-06-01. Review status: criteria provided, single submitter. Criteria: CeGaT Center For Human Genetics Tuebingen Variant Classification Criteria Version 2. Collection method: clinical testing. Allele origin: germline. Affected: yes. Observed: 1 variant allele.
Comment: BRCA2: BP4

GeneDx
Classification: Uncertain significance. Last evaluated: 2023-09-06. Review status: criteria provided, single submitter. Criteria: GeneDx Variant Classification Process June 2021. Collection method: clinical testing. Allele origin: germline. Affected: yes.
Comment: Not observed at significant frequency in large population cohorts (gnomAD); In silico analysis supports that this missense variant does not alter protein structure/function; Also known as 1570C>T; This variant is associated with the following publications: (PMID: 11802209, 32377563, 29884841, 31131967, 30254663, 35150867, 36011273, 31911673, 35127508, 32438681, 30287823, 36243179)

University of Washington Department of Laboratory Medicine, University of Washington
Classification: Likely benign for Hereditary cancer-predisposing syndrome. Last evaluated: 2023-03-23. Review status: criteria provided, single submitter. Criteria: Dines et al. (Genet Med. 2020). Collection method: curation. Allele origin: germline.
Comment: Missense variant in a coldspot region where missense variants are very unlikely to be pathogenic (PMID:31911673).

BRCA2 exon 10 coldspot. Reclassification based on statistical prior probability.

Department of Pathology and Laboratory Medicine, Sinai Health System
Classification: Uncertain significance for BRCA2-related cancer predisposition. Last evaluated: 2022-03-10. Review status: criteria provided, single submitter. Criteria: ACMG Guidelines, 2015. Collection method: clinical testing. Allele origin: germline. Affected: no.

Sema4
Classification: Uncertain significance for Hereditary cancer-predisposing syndrome. Last evaluated: 2022-01-06. Review status: criteria provided, single submitter. Criteria: Sema4 Curation Guidelines. Collection method: curation. Allele origin: germline.
Comment: The BRCA2 c.1342C>T (p.R448C) variant has been reported in heterozygosity in at least 2 individuals with breast and/or ovarian cancer (PMID: 11802209, 30254663). It is also known as c.1570C>T in the literature. This variant was observed in 3/112818 chromosomes in the European (non-Finnish) population, according to the Genome Aggregation Database (PMID: 32461654). This variant has been reported in ClinVar (Variation ID: 51105). Functional studies have not been performed, and in silico predictions of the variant's effect on protein function are inconclusive. The evidence is insufficient to meet ACMG/AMP criteria for classifying the variant as benign or pathogenic. Thus, the clinical significance of this variant is currently uncertain.

Ambry Genetics
Classification: Likely benign for Hereditary cancer-predisposing syndrome. Last evaluated: 2020-06-17. Review status: criteria provided, single submitter. Criteria: Ambry Variant Classification Scheme 2023. Collection method: clinical testing. Allele origin: germline.

Color Diagnostics, LLC DBA Color Health
Classification: Benign for Hereditary cancer-predisposing syndrome. Last evaluated: 2016-06-14. Review status: criteria provided, single submitter. Criteria: ACMG Guidelines, 2015. Collection method: clinical testing. Allele origin: germline.

Clinical Genetics DNA and cytogenetics Diagnostics Lab, Erasmus MC, Erasmus Medical Center
Classification: Likely benign for Breast-ovarian cancer, familial, susceptibility to, 2. Last evaluated: 2015-09-21. Review status: criteria provided, single submitter. Criteria: ACGS Guidelines, 2013. Collection method: clinical testing. Allele origin: germline. Affected: yes. Study: VKGL Data-share Consensus.

Department of Medical and Surgical Sciences, University of Bologna
Classification: Likely benign for Breast-ovarian cancer, familial, susceptibility to, 2. Last evaluated: 2023-09-01. Review status: no assertion criteria provided. Collection method: clinical testing. Allele origin: germline. Affected: yes. Not counted in ClinVar's aggregate classification.
Comment: PP4(Moderate)+BP1(Strong) according to ACMG/AMP classification guidelines specified for BRCA1 & BRCA2 (Classification Criteria V1.0.0 2023-09-08) (PMID: 38160042)

Counsyl
Classification: Uncertain significance for Breast-ovarian cancer, familial, susceptibility to, 2. Last evaluated: 2016-02-19. Review status: no assertion criteria provided. Collection method: clinical testing. Allele origin: unknown. Not counted in ClinVar's aggregate classification.

Sharing Clinical Reports Project (SCRP)
Classification: Uncertain significance for Breast-ovarian cancer, familial 2. Last evaluated: 2011-12-19. Review status: no assertion criteria provided. Collection method: clinical testing. Allele origin: germline. Not counted in ClinVar's aggregate classification.

Breast Cancer Information Core (BIC) (BRCA2)
Classification: Uncertain significance for Breast-ovarian cancer, familial 2. Last evaluated: 2004-02-20. Review status: no assertion criteria provided. Collection method: clinical testing. Allele origin: germline. Affected: yes. Observed: 4 variant alleles. Not counted in ClinVar's aggregate classification.

Diagnostic Laboratory, Department of Genetics, University Medical Center Groningen
Classification: Likely benign for Breast-ovarian cancer, familial, susceptibility to, 2. Review status: no assertion criteria provided. Collection method: clinical testing. Allele origin: germline. Affected: yes. Study: VKGL Data-share Consensus. Not counted in ClinVar's aggregate classification.

Literature cited by the submitters: PubMed 30254663 (cited by 3 submitters); PubMed 32438681 (cited by 3 submitters); PubMed 35127508 (cited by Women's Health and Genetics/Laboratory Corporation of America, LabCorp); PubMed 36011273 (cited by Women's Health and Genetics/Laboratory Corporation of America, LabCorp); PubMed 11802209 (cited by 4 submitters); PubMed 30287823 (cited by Ambry Genetics); PubMed 31131967 (cited by Ambry Genetics).

NM_000059.4(BRCA2):c.1342C>T (p.Arg448Cys)

Gene: BRCA2 (BRCA2 DNA repair associated; plus strand). Cytogenetic location: 13q13.1.
Variant type: single nucleotide variant.
Coding change: c.1342C>T on transcript NM_000059.4 (MANE Select); coding-DNA position 1342, C replaced by T.
Protein change: p.Arg448Cys; replaces arginine 448 with cysteine.
Molecular consequence: missense variant.
Genome position (GRCh38, 1-based): chr13:32,332,820, C>T. VCF-style: chr13-32332820-C-T. GRCh37 (hg19) VCF-style: chr13-32906957-C-T.
Other names: p.R448C:CGT>TGT; 1570C>T; short protein forms R448C.
Identifiers: ClinVar variation 51105 (VCV000051105.38), dbSNP rs80358422, ClinGen allele CA011683.
Genomic context (GRCh38, chr13:32,332,820, plus strand): 5'-CTATTAGACACAGAGAACAAAAGAAAGAAAGATTTTCTTACTTCAGAGAATTCTTTGCCA[C>T]GTATTTCTAGCCTACCAAAATCAGAGAAGCCATTAAATGAGGAAACAGTGGTAAATAAGA-3'
Protein context (NP_000050.3, residues 438-458): DFLTSENSLP[Arg448Cys]ISSLPKSEKP